The following is an entry in ClinVar:

NM_031407.7(HUWE1):c.382A>G (p.Met128Val)

Gene: HUWE1 (HECT, UBA and WWE domain containing E3 ubiquitin protein ligase 1; minus strand). Cytogenetic location: Xp11.22.
Variant type: single nucleotide variant.
Coding change: c.382A>G on transcript NM_031407.7 (MANE Select); coding-DNA position 382, A replaced by G.
Protein change: p.Met128Val; replaces methionine 128 with valine.
Molecular consequence: missense variant.
Genome position (GRCh38, 1-based): chrX:53,645,433, T>C on the plus strand (A>G on the coding strand, the complement: HUWE1 is on the minus strand). VCF-style: chrX-53645433-T-C. GRCh37 (hg19) VCF-style: chrX-53672385-T-C.
Other names: c.382A>G, p.Met128Val (NM_001441048.1, NM_001441049.1, NM_001441050.1 and 8 more transcripts); short protein forms M128V.
Identifiers: ClinVar variation 4282163 (VCV004282163.1).

ClinVar aggregate classification (germline): Uncertain significance (1 of 4 stars; one submission).

Submission:

GeneDx
Classification: Uncertain significance. Last evaluated: 2025-04-16. Review status: criteria provided, single submitter. Criteria: GeneDx Variant Classification Process June 2021. Collection method: clinical testing. Allele origin: germline. Affected: yes.
Comment: Not observed at significant frequency in large population cohorts (gnomAD); In silico analysis supports that this missense variant has a deleterious effect on protein structure/function; Has not been previously published as pathogenic or benign to our knowledge